The following is an entry in ClinVar:

NM_000257.4(MYH7):c.4681G>T (p.Ala1561Ser)

Genes: MYH7 (myosin heavy chain 7; minus strand), MHRT (myosin heavy chain associated RNA transcript; plus strand), LOC126861897 (BRD4-independent group 4 enhancer GRCh37_chr14:23884455-23885654; plus strand). Cytogenetic location: 14q11.2.
Variant type: single nucleotide variant.
Coding change: c.4681G>T on transcript NM_000257.4 (MANE Select); coding-DNA position 4681, G replaced by T.
Protein change: p.Ala1561Ser; replaces alanine 1561 with serine.
Molecular consequence: missense variant. On other transcripts: non-coding transcript variant (1).
Genome position (GRCh38, 1-based): chr14:23,416,276, C>A on the plus strand (G>T on the coding strand, the complement: MYH7 is on the minus strand). VCF-style: chr14-23416276-C-A. GRCh37 (hg19) VCF-style: chr14-23885485-C-A.
Other names: c.4681G>T, p.Ala1561Ser (NM_001407004.1); short protein forms A1561S.
Identifiers: ClinVar variation 1802219 (VCV001802219.6), dbSNP rs1064796334, ClinGen allele CA389037870.

ClinVar aggregate classification (germline): Uncertain significance. Review status: criteria provided, multiple submitters, no conflicts (2 of 4 stars). 3 submissions from 3 submitters: Uncertain significance (3). Last evaluated 2025-06-03.

Conditions:
Cardiomyopathy (CMYO). Also called: Cardiomyopathies. Identifiers: Orphanet 167848, MedGen C0878544, MONDO:0004994, HP:0001638. Inheritance: Various modes of inheritance.
Dilated cardiomyopathy 1S (CMD1S). Identifiers: Orphanet 154, Orphanet 54260, MedGen C1834481, MONDO:0013262, OMIM 613426.
Hypertrophic cardiomyopathy. Also called: HYPERTROPHIC MYOCARDIOPATHY. Identifiers: Orphanet 217569, MedGen C0007194, MeSH D002312, MONDO:0005045, HP:0001639.

Allele frequency attached by ClinVar (database versions not stated): gnomAD exomes below 0.00001.
gnomAD v4.1: 4 of 1,612,974 alleles (0.00025%); highest among the groups gnomAD compares: South Asian, 0.0044%; no homozygotes.

Submissions (3):

Labcorp Genetics (formerly Invitae), Labcorp
Classification: Uncertain significance for Hypertrophic cardiomyopathy. Last evaluated: 2025-06-03. Review status: criteria provided, single submitter. Criteria: Invitae Variant Classification Sherloc (09022015). Collection method: clinical testing. Allele origin: germline.
Comment: This sequence change replaces alanine, which is neutral and non-polar, with serine, which is neutral and polar, at codon 1561 of the MYH7 protein (p.Ala1561Ser). This variant is not present in population databases (gnomAD no frequency). This variant has not been reported in the literature in individuals affected with MYH7-related conditions. ClinVar contains an entry for this variant (Variation ID: 1802219). Invitae Evidence Modeling of protein sequence and biophysical properties (such as structural, functional, and spatial information, amino acid conservation, physicochemical variation, residue mobility, and thermodynamic stability) indicates that this missense variant is not expected to disrupt MYH7 protein function with a negative predictive value of 95%. In summary, the available evidence is currently insufficient to determine the role of this variant in disease. Therefore, it has been classified as a Variant of Uncertain Significance.

Color Diagnostics, LLC DBA Color Health
Classification: Uncertain significance for Cardiomyopathy. Last evaluated: 2022-11-15. Review status: criteria provided, single submitter. Criteria: ACMG Guidelines, 2015. Collection method: clinical testing. Allele origin: germline.
Comment: This missense variant replaces alanine with serine at codon 1561 of the MYH7 protein. Computational prediction suggests that this variant may not impact protein structure and function (internally defined REVEL score threshold <= 0.5, PMID: 27666373). To our knowledge, functional studies have not been reported for this variant. This variant has not been reported in individuals affected with MYH7-related disorders in the literature. This variant has not been identified in the general population by the Genome Aggregation Database (gnomAD). The available evidence is insufficient to determine the role of this variant in disease conclusively. Therefore, this variant is classified as a Variant of Uncertain Significance.

Diagnostics Services (NGS), CSIR - Centre For Cellular And Molecular Biology
Classification: Uncertain significance for Dilated cardiomyopathy 1S. Last evaluated: 2022-08-10. Review status: criteria provided, single submitter. Criteria: ACMG Guidelines, 2015. Collection method: clinical testing. Allele origin: unknown. Affected: yes. Observed: 1 variant allele, 1 heterozygote.
Comment: The c.4681G>T variant is not present in publicly available population databases like 1000 Genomes, Exome Variant Server (EVS), Exome Aggregation Consortium (ExAC), Genome Aggregation Database (gnomAD) and Indian Exome Database. The variant is not present in our in-house exome database. This variant has not been reported in the literature or any clinical databases like ClinVar, Human Genome Mutation Database (HGMD) and OMIM, in any affected individuals. Predictions from different in-silico pathogenicity prediction programs like SIFT, Polyphen-2, MutationTaster2, CADD etc. are contradictory.